The following is an entry in ClinVar:

ClinVar aggregate classification (germline): Uncertain significance. Review status: criteria provided, multiple submitters, no conflicts (2 of 4 stars). 2 submissions from 2 submitters: Uncertain significance (2). Last evaluated 2026-03-18.

Conditions:
Mitochondrial hypertrophic cardiomyopathy with lactic acidosis due to MTO1 deficiency. Also called: CARDIOMYOPATHY, INFANTILE HYPERTROPHIC MITOCHONDRIAL, AND LACTIC ACIDOSIS; Combined oxidative phosphorylation deficiency 10. Identifiers: Orphanet 314637, MedGen C4749921, MONDO:0013865, OMIM 614702.

Allele frequency attached by ClinVar (database versions not stated): gnomAD 0.00001; gnomAD exomes 0.00001; TOPMed 0.00002.
gnomAD v4.1: 6 of 1,614,006 alleles (0.00037%); highest among the groups gnomAD compares: Admixed American, 0.01%; no homozygotes.

Submissions (2):

GeneDx
Classification: Uncertain significance. Last evaluated: 2026-03-18. Review status: criteria provided, single submitter. Criteria: GeneDx Variant Classification Process June 2021. Collection method: clinical testing. Allele origin: germline.
Comment: Not observed at significant frequency in large population cohorts (gnomAD); In silico analysis suggests that this missense variant does not alter protein structure/function; Has not been previously published as pathogenic or benign to our knowledge

Labcorp Genetics (formerly Invitae), Labcorp
Classification: Uncertain significance for Mitochondrial hypertrophic cardiomyopathy with lactic acidosis due to MTO1 deficiency. Last evaluated: 2022-02-02. Review status: criteria provided, single submitter. Criteria: Invitae Variant Classification Sherloc (09022015). Collection method: clinical testing. Allele origin: germline.
Comment: This sequence change replaces methionine, which is neutral and non-polar, with isoleucine, which is neutral and non-polar, at codon 90 of the MTO1 protein (p.Met90Ile). This variant is present in population databases (no rsID available, gnomAD 0.006%). This variant has not been reported in the literature in individuals affected with MTO1-related conditions. Algorithms developed to predict the effect of missense changes on protein structure and function (SIFT, PolyPhen-2, Align-GVGD) all suggest that this variant is likely to be tolerated. In summary, the available evidence is currently insufficient to determine the role of this variant in disease. Therefore, it has been classified as a Variant of Uncertain Significance.

NM_012123.4(MTO1):c.270G>A (p.Met90Ile)

Gene: MTO1 (mitochondrial tRNA translation optimization 1; plus strand). Cytogenetic location: 6q13.
Variant type: single nucleotide variant.
Coding change: c.270G>A on transcript NM_012123.4 (MANE Select); coding-DNA position 270, G replaced by A.
Protein change: p.Met90Ile; replaces methionine 90 with isoleucine.
Molecular consequence: missense variant.
Genome position (GRCh38, 1-based): chr6:73,466,261, G>A. VCF-style: chr6-73466261-G-A. GRCh37 (hg19) VCF-style: chr6-74175984-G-A.
Other names: c.270G>A, p.Met90Ile (NM_001123226.2, NM_133645.3); c.270G>A (NM_012123.3); short protein forms M90I.
Identifiers: ClinVar variation 2157841 (VCV002157841.2), dbSNP rs1306706849, ClinGen allele CA364712565.
Genomic context (GRCh38, chr6:73,466,261, plus strand): 5'-ATCTTTAGGTCAGATGTCATGTAATCCTTCCTTTGGTGGCATCGGAAAGGGACATTTAAT[G>A]AGGGAAGTAGATGCCTTGGATGGCCTGTGTTCTCGCATCTGTGACCAGTCTGGTGTACAT-3'
Protein context (NP_036255.2, residues 80-100): SFGGIGKGHL[Met90Ile]REVDALDGLC